The following is an entry in ClinVar:

ClinVar aggregate classification (germline): Conflicting classifications of pathogenicity. Review status: criteria provided, conflicting classifications (1 of 4 stars). 2 submissions from 2 submitters: Pathogenic (1); Uncertain significance (1). Last evaluated 2026-01-16.

Conditions:
Hereditary cancer-predisposing syndrome. Also called: Neoplastic Syndromes, Hereditary; Hereditary neoplastic syndrome; Tumor predisposition; Hereditary Cancer Syndrome. Identifiers: Orphanet 140162, MedGen C0027672, MeSH D009386, MONDO:0015356.

Submissions (2):

Ambry Genetics
Classification: Uncertain significance for Hereditary cancer-predisposing syndrome. Last evaluated: 2026-01-16. Review status: criteria provided, single submitter. Criteria: Ambry Variant Classification Scheme 2023. Collection method: clinical testing. Allele origin: germline.
Comment: The c.3074dupC variant, located in coding exon 26 of the POLE gene, results from a duplication of C at nucleotide position 3074, causing a translational frameshift with a predicted alternate stop codon (p.D1026*). This alteration is expected to result in loss of function by premature protein truncation or nonsense-mediated mRNA decay. Although biallelic loss of function of POLE has been associated with autosomal recessive POLE deficiency, haploinsufficiency of POLE has not been established as a mechanism of disease for POLE-related polymerase proofreading-associated polyposis (PPAP) and POLE-related CMMRD-like syndrome. Based on the supporting evidence, this variant is expected to be causative of POLE deficiency when present along with a second pathogenic variant on the other allele; however, its clinical significance for PPAP and POLE-related CMMRD-like syndrome is unclear.

Labcorp Genetics (formerly Invitae), Labcorp
Classification: Pathogenic. Last evaluated: 2024-06-13. Review status: criteria provided, single submitter. Criteria: Invitae Variant Classification Sherloc (09022015). Collection method: clinical testing. Allele origin: germline.
Comment: This sequence change creates a premature translational stop signal (p.Asp1026*) in the POLE gene. It is expected to result in an absent or disrupted protein product. Loss-of-function variants in POLE are known to be pathogenic (PMID: 23230001, 25948378, 30503519). This variant is not present in population databases (gnomAD no frequency). This variant has not been reported in the literature in individuals affected with POLE-related conditions. ClinVar contains an entry for this variant (Variation ID: 566481). For these reasons, this variant has been classified as Pathogenic.

Literature cited by the submitters: PubMed 23230001 (cited by Labcorp Genetics (formerly Invitae), Labcorp); PubMed 25948378 (cited by Labcorp Genetics (formerly Invitae), Labcorp); PubMed 30503519 (cited by Labcorp Genetics (formerly Invitae), Labcorp).

NM_006231.4(POLE):c.3074dup (p.Pro1025_Asp1026insTer)

Gene: POLE (DNA polymerase epsilon, catalytic subunit; minus strand). Cytogenetic location: 12q24.33.
Variant type: Duplication.
Coding change: c.3074dup on transcript NM_006231.4 (MANE Select); coding-DNA position 3074, one base duplicated (C; older notation c.3074dupC).
Protein change: p.Pro1025_Asp1026insTer.
Molecular consequence: frameshift variant.
Genome position (GRCh38, 1-based): chr12:132,659,496, G duplicated on the plus strand (C on the coding strand, the reverse complement: POLE is on the minus strand); the first of 2 consecutive G bases (chr12:132,659,496-132,659,497); duplicating either gives the same sequence. VCF-style (leftmost placement, unchanged base first): chr12-132659495-A-AG. GRCh37 (hg19) VCF-style: chr12-133236081-A-AG.
Other names: c.3074dupC (NM_006231.3).
Identifiers: ClinVar variation 566481 (VCV000566481.14), dbSNP rs1565956310, ClinGen allele CA891844344.